The following is an entry in ClinVar:

ClinVar aggregate classification (germline): Pathogenic. Review status: criteria provided, single submitter (1 of 4 stars). 2 submissions from 2 submitters: Pathogenic (1). 1 of the submissions does not count toward it. Last evaluated 2022-02-03.

Conditions:
Surfactant metabolism dysfunction, pulmonary, 1. Also called: INTERSTITIAL LUNG DISEASE DUE TO SURFACTANT PROTEIN B DEFICIENCY; INTERSTITIAL LUNG DISEASE, NONSPECIFIC, DUE TO SURFACTANT PROTEIN B DEFICIENCY; Neonatal acute respiratory distress due to SP-B deficiency; Pulmonary surfactant protein B, deficiency of; PULMONARY ALVEOLAR PROTEINOSIS, CONGENITAL, 1. Identifiers: Orphanet 217563, MedGen C1968602, MONDO:0009929, OMIM 265120.

Allele frequency attached by ClinVar (database versions not stated): gnomAD exomes below 0.00001.

Submissions (2):

Labcorp Genetics (formerly Invitae), Labcorp
Classification: Pathogenic. Last evaluated: 2022-02-03. Review status: criteria provided, single submitter. Criteria: Invitae Variant Classification Sherloc (09022015). Collection method: clinical testing. Allele origin: germline.
Comment: This variant is not present in population databases (gnomAD no frequency). This sequence change creates a premature translational stop signal (p.Leu134Argfs*93) in the SFTPB gene. It is expected to result in an absent or disrupted protein product. Loss-of-function variants in SFTPB are known to be pathogenic (PMID: 10712351). This variant is also known as 1553delT, 122delT. For these reasons, this variant has been classified as Pathogenic. This premature translational stop signal has been observed in individual(s) with pulmonary alveolar proteinosis (PMID: 9682215, 10378403).

OMIM
Classification: Pathogenic for SURFACTANT METABOLISM DYSFUNCTION, PULMONARY, 1. Last evaluated: 1999-06-01. Review status: no assertion criteria provided. Collection method: literature only. Allele origin: germline. Not counted in ClinVar's aggregate classification.

Literature cited by the submitters: PubMed 10712351 (cited by Labcorp Genetics (formerly Invitae), Labcorp); PubMed 9682215 (cited by Labcorp Genetics (formerly Invitae), Labcorp); PubMed 10378403 (cited by Labcorp Genetics (formerly Invitae), Labcorp and OMIM).

NM_000542.5(SFTPB):c.365del (p.Leu122fs)

Gene: SFTPB (surfactant protein B; minus strand). Cytogenetic location: 2p11.2.
Variant type: Deletion.
Coding change: c.365del on transcript NM_000542.5 (MANE Select); coding-DNA position 365, one base deleted (T; older notation c.365delT).
Protein change: p.Leu122fs; shifts the reading frame from leucine 122.
Molecular consequence: frameshift variant.
Genome position (GRCh38, 1-based): chr2:85,666,645, A deleted on the plus strand (T on the coding strand, the reverse complement: SFTPB is on the minus strand). VCF-style (leftmost placement, unchanged base first): chr2-85666644-CA-C. GRCh37 (hg19) VCF-style: chr2-85893767-CA-C.
Other names: c.365delT, p.Leu122Argfs (NM_001367281.2, NM_198843.4); short protein forms L122fs.
Identifiers: ClinVar variation 13202 (VCV000013202.5), dbSNP rs1677658252, ClinGen allele CA1266878774.